The following is an entry in ClinVar:

ClinVar aggregate classification (germline): Uncertain significance (1 of 4 stars; one submission).

Submission:

GeneDx
Classification: Uncertain significance. Last evaluated: 2026-02-27. Review status: criteria provided, single submitter. Criteria: GeneDx Variant Classification Process June 2021. Collection method: clinical testing. Allele origin: germline.
Comment: Not observed at significant frequency in large population cohorts (gnomAD); In silico analysis suggests that this missense variant does not alter protein structure/function; Has not been previously published as pathogenic or benign to our knowledge; Variants in candidate genes are classified as variants of uncertain significance in accordance with ACMG guidelines (PMID: 25741868)

NM_015045.5(WAPL):c.3308T>A (p.Leu1103His)

Gene: WAPL (WAPL cohesin release factor; minus strand). Cytogenetic location: 10q23.2.
Variant type: single nucleotide variant.
Coding change: c.3308T>A on transcript NM_015045.5 (MANE Select); coding-DNA position 3308, T replaced by A.
Protein change: p.Leu1103His; replaces leucine 1103 with histidine.
Molecular consequence: missense variant.
Genome position (GRCh38, 1-based): chr10:86,446,256, A>T on the plus strand (T>A on the coding strand, the complement: WAPL is on the minus strand). VCF-style: chr10-86446256-A-T. GRCh37 (hg19) VCF-style: chr10-88206013-A-T.
Other names: c.3290T>A, p.Leu1097His (NM_001318328.2); short protein forms L1097H, L1103H.
Identifiers: ClinVar variation 4976362 (VCV004976362.1).